The following is an entry in ClinVar:

ClinVar aggregate classification (germline): Pathogenic. Review status: criteria provided, multiple submitters, no conflicts (2 of 4 stars). 3 submissions from 3 submitters: Pathogenic (3). Last evaluated 2026-04-27.

Conditions:
Inborn genetic diseases. Identifiers: MedGen C0950123, MeSH D030342.
MBD4-related disorder. Also called: MBD4-related condition.

Allele frequency attached by ClinVar (database versions not stated): TOPMed 0.00001; gnomAD 0.00003.
gnomAD v4.1: 9 of 1,614,046 alleles (0.00056%); highest among the groups gnomAD compares: African/African-American, 0.008%; no homozygotes.

Submissions (3):

PreventionGenetics, part of Exact Sciences
Classification: Pathogenic for MBD4-related condition. Last evaluated: 2026-04-27. Review status: criteria provided, single submitter. Criteria: ACMG Guidelines, 2015. Collection method: clinical testing. Allele origin: germline.
Comment: The MBD4 c.1487G>A variant is predicted to result in premature protein termination (p.Trp496*). To our knowledge, this variant has not been reported in the literature. This variant is reported in 0.0062% of alleles in individuals of African descent in gnomAD and is interpreted as pathogenic in ClinVar (Variation ID: 3029610). Nonsense variants in MBD4 are expected to be pathogenic. This variant is interpreted as pathogenic.

Labcorp Genetics (formerly Invitae), Labcorp
Classification: Pathogenic. Last evaluated: 2025-10-26. Review status: criteria provided, single submitter. Criteria: Invitae Variant Classification Sherloc (09022015). Collection method: clinical testing. Allele origin: germline.
Comment: This sequence change creates a premature translational stop signal (p.Trp496*) in the MBD4 gene. It is expected to result in an absent or disrupted protein product. Loss-of-function variants in MBD4 are known to be pathogenic (PMID: 30049810, 35460607). This variant is present in population databases (no rsID available, gnomAD 0.007%). This variant has not been reported in the literature in individuals affected with MBD4-related conditions. ClinVar contains an entry for this variant (Variation ID: 3029610). For these reasons, this variant has been classified as Pathogenic.

Ambry Genetics
Classification: Pathogenic for Inborn genetic diseases. Last evaluated: 2024-12-20. Review status: criteria provided, single submitter. Criteria: Ambry Variant Classification Scheme 2023. Collection method: clinical testing. Allele origin: germline.
Comment: The p.W490* pathogenic mutation (also known as c.1469G>A), located in coding exon 6 of the MBD4 gene, results from a G to A substitution at nucleotide position 1469. This changes the amino acid from a tryptophan to a stop codon within coding exon 6. This variant is considered to be rare based on population cohorts in the Genome Aggregation Database (gnomAD). This alteration is expected to result in loss of function by premature protein truncation or nonsense-mediated mRNA decay. As such, this alteration is interpreted as a disease-causing mutation.

Literature cited by the submitters: PubMed 30049810 (cited by Labcorp Genetics (formerly Invitae), Labcorp); PubMed 35460607 (cited by Labcorp Genetics (formerly Invitae), Labcorp).

NM_001276270.2(MBD4):c.1469G>A (p.Trp490Ter)

Gene: MBD4 (methyl-CpG binding domain 4, DNA glycosylase; minus strand). Cytogenetic location: 3q21.3.
Variant type: single nucleotide variant.
Coding change: c.1469G>A on transcript NM_001276270.2 (MANE Select); coding-DNA position 1469, G replaced by A.
Protein change: p.Trp490Ter; replaces tryptophan 490 with a stop codon.
Molecular consequence: nonsense.
Genome position (GRCh38, 1-based): chr3:129,433,172, C>T on the plus strand (G>A on the coding strand, the complement: MBD4 is on the minus strand). VCF-style: chr3-129433172-C-T. GRCh37 (hg19) VCF-style: chr3-129152015-C-T.
Other names: c.1487G>A, p.Trp496Ter (NM_001276271.2, NM_001276272.2, NM_003925.3); c.533G>A, p.Trp178Ter (NM_001276273.2); short protein forms W178*, W490*, W496*.
Identifiers: ClinVar variation 3029610 (VCV003029610.6), dbSNP rs897132425, ClinGen allele CA82627220.